The following is an entry in ClinVar:

ClinVar aggregate classification (germline): Uncertain significance. Review status: criteria provided, multiple submitters, no conflicts (2 of 4 stars). 3 submissions from 3 submitters: Uncertain significance (3). Last evaluated 2025-01-22.

Conditions:
Peroxisome biogenesis disorder 11A (Zellweger). Also called: Peroxisome biogenesis disorder 11A. Identifiers: Orphanet 912, MedGen C3554000, MONDO:0013949, OMIM 614883.
Inborn genetic diseases. Identifiers: MedGen C0950123, MeSH D030342.

Allele frequency attached by ClinVar (database versions not stated): gnomAD exomes 0.00001; gnomAD 0.00001; ExAC 0.00002; TOPMed 0.00001.
gnomAD v4.1: 20 of 1,613,766 alleles (0.0012%); highest among the groups gnomAD compares: Non-Finnish European, 0.0016%; no homozygotes.

Submissions (3):

Ambry Genetics
Classification: Uncertain significance for Inborn genetic diseases. Last evaluated: 2025-01-22. Review status: criteria provided, single submitter. Criteria: Ambry Variant Classification Scheme 2023. Collection method: clinical testing. Allele origin: germline.

Mayo Clinic Laboratories, Mayo Clinic
Classification: Uncertain significance. Last evaluated: 2024-02-14. Review status: criteria provided, single submitter. Criteria: ACMG Guidelines, 2015. Collection method: clinical testing. Allele origin: germline. Observed: 1 variant allele.
Comment: PP3, PM2_moderate

Labcorp Genetics (formerly Invitae), Labcorp
Classification: Uncertain significance for Peroxisome biogenesis disorder 11A (Zellweger). Last evaluated: 2022-06-13. Review status: criteria provided, single submitter. Criteria: Invitae Variant Classification Sherloc (09022015). Collection method: clinical testing. Allele origin: germline.
Comment: This sequence change replaces tyrosine, which is neutral and polar, with cysteine, which is neutral and slightly polar, at codon 190 of the PEX13 protein (p.Tyr190Cys). This variant is present in population databases (rs763396088, gnomAD 0.002%). This variant has not been reported in the literature in individuals affected with PEX13-related conditions. Algorithms developed to predict the effect of missense changes on protein structure and function are either unavailable or do not agree on the potential impact of this missense change (SIFT: "Tolerated"; PolyPhen-2: "Probably Damaging"; Align-GVGD: "Class C15"). In summary, the available evidence is currently insufficient to determine the role of this variant in disease. Therefore, it has been classified as a Variant of Uncertain Significance.

NM_002618.4(PEX13):c.569A>G (p.Tyr190Cys)

Gene: PEX13 (peroxisomal biogenesis factor 13; plus strand). Cytogenetic location: 2p15.
Variant type: single nucleotide variant.
Coding change: c.569A>G on transcript NM_002618.4 (MANE Select); coding-DNA position 569, A replaced by G.
Protein change: p.Tyr190Cys; replaces tyrosine 190 with cysteine.
Molecular consequence: missense variant.
Genome position (GRCh38, 1-based): chr2:61,031,895, A>G. VCF-style: chr2-61031895-A-G. GRCh37 (hg19) VCF-style: chr2-61259030-A-G.
Other names: p.Tyr190Cys; c.569A>G (NM_002618.3); short protein forms Y190C.
Identifiers: ClinVar variation 1352721 (VCV001352721.7), dbSNP rs763396088, ClinGen allele CA1673314.
Genomic context (GRCh38, chr2:61,031,895, plus strand): 5'-GATTGAAAATACACTTTACAAAAGTGTTTTCAGCTTTTGCATTGGTTAGGACTATACGGT[A>G]TCTTTACAGACGGCTACAGCGGATGTTAGGTTTAAGAAGAGGCTCTGAGAATGAAGACCT-3'
Protein context (NP_002609.1, residues 180-200): SAFALVRTIR[Tyr190Cys]LYRRLQRMLG